The following is an entry in ClinVar:

ClinVar aggregate classification (germline): Likely benign. Review status: criteria provided, multiple submitters, no conflicts (2 of 4 stars). 3 submissions from 3 submitters: Likely benign (3). Last evaluated 2025-10-02.

Conditions:
Autosomal recessive limb-girdle muscular dystrophy type 2J (LGMDR10). Also called: Limb-girdle muscular dystrophy, type 2J; MUSCULAR DYSTROPHY, LIMB-GIRDLE, AUTOSOMAL RECESSIVE 10. Identifiers: Orphanet 140922, MedGen C1837342, MONDO:0012127, OMIM 608807.
Dilated cardiomyopathy 1G (CMD1G). Identifiers: Orphanet 154, MedGen C1858763, MONDO:0011400, OMIM 604145.

Allele frequency attached by ClinVar (database versions not stated): gnomAD exomes 0.00001.
gnomAD v4.1: 9 of 1,613,632 alleles (0.00056%); highest among the groups gnomAD compares: Middle Eastern, 0.016%; no homozygotes.

Submissions (3):

Labcorp Genetics (formerly Invitae), Labcorp
Classification: Likely benign for Dilated cardiomyopathy 1G; Autosomal recessive limb-girdle muscular dystrophy type 2J. Last evaluated: 2025-10-02. Review status: criteria provided, single submitter. Criteria: Invitae Variant Classification Sherloc (09022015). Collection method: clinical testing. Allele origin: germline.

Blueprint Genetics
Classification: Likely benign. Last evaluated: 2023-03-30. Review status: criteria provided, single submitter. Criteria: ACMG Guidelines, 2015. Collection method: clinical testing. Allele origin: germline.

GeneDx
Classification: Likely benign. Last evaluated: 2017-07-17. Review status: criteria provided, single submitter. Criteria: GeneDx Variant Classification (06012015). Collection method: clinical testing. Allele origin: germline. Affected: yes.
Comment: This variant is considered likely benign or benign based on one or more of the following criteria: it is a conservative change, it occurs at a poorly conserved position in the protein, it is predicted to be benign by multiple in silico algorithms, and/or has population frequency not consistent with disease.

NM_001267550.2(TTN):c.92868A>T (p.Thr30956=)

Genes: TTN (titin; minus strand), TTN-AS1 (TTN antisense RNA 1; plus strand). Cytogenetic location: 2q31.2.
Variant type: single nucleotide variant.
Coding change: c.92868A>T on transcript NM_001267550.2 (MANE Select); coding-DNA position 92868, A replaced by T.
Protein change: p.Thr30956=; no amino-acid change (threonine 30956 retained).
Molecular consequence: synonymous variant.
Genome position (GRCh38, 1-based): chr2:178,548,758, T>A on the plus strand (A>T on the coding strand, the complement: TTN is on the minus strand). VCF-style: chr2-178548758-T-A. GRCh37 (hg19) VCF-style: chr2-179413485-T-A.
Other names: c.87945A>T, p.Thr29315= (NM_001256850.1); c.65673A>T, p.Thr21891= (NM_003319.4); c.85164A>T, p.Thr28388= (NM_133378.4); c.66048A>T, p.Thr22016= (NM_133432.3); c.66249A>T, p.Thr22083= (NM_133437.4).
Identifiers: ClinVar variation 510947 (VCV000510947.12), dbSNP rs1000250632, ClinGen allele CA60974223.